The following is an entry in ClinVar:

ClinVar aggregate classification (germline): Uncertain significance (1 of 4 stars; one submission).

Conditions:
DiGeorge syndrome. Also called: Catch22; THIRD AND FOURTH PHARYNGEAL POUCH SYNDROME. Identifiers: Orphanet 567, MedGen C0012236, MONDO:0008564, OMIM 188400.

Allele frequency attached by ClinVar (database versions not stated): gnomAD exomes below 0.00001.

Submission:

Labcorp Genetics (formerly Invitae), Labcorp
Classification: Uncertain significance for DiGeorge syndrome. Last evaluated: 2020-06-04. Review status: criteria provided, single submitter. Criteria: Invitae Variant Classification Sherloc (09022015). Collection method: clinical testing. Allele origin: germline.
Comment: The frequency data for this variant in the population databases is considered unreliable, as metrics indicate insufficient coverage at this position in the ExAC database. This sequence change replaces asparagine with serine at codon 397 of the TBX1 protein (p.Asn397Ser). The asparagine residue is weakly conserved and there is a small physicochemical difference between asparagine and serine. This variant has not been reported in the literature in individuals with TBX1-related conditions. Algorithms developed to predict the effect of missense changes on protein structure and function (SIFT, PolyPhen-2, Align-GVGD) all suggest that this variant is likely to be tolerated, but these predictions have not been confirmed by published functional studies and their clinical significance is uncertain. In summary, the available evidence is currently insufficient to determine the role of this variant in disease. Therefore, it has been classified as a Variant of Uncertain Significance.

NM_001379200.1(TBX1):c.1217A>G (p.Asn406Ser)

Gene: TBX1 (T-box transcription factor 1; plus strand). Cytogenetic location: 22q11.21.
Variant type: single nucleotide variant.
Coding change: c.1217A>G on transcript NM_001379200.1 (MANE Select); coding-DNA position 1217, A replaced by G.
Protein change: p.Asn406Ser; replaces asparagine 406 with serine.
Molecular consequence: missense variant. On other transcripts: intron variant (2).
Genome position (GRCh38, 1-based): chr22:19,766,569, A>G. VCF-style: chr22-19766569-A-G. GRCh37 (hg19) VCF-style: chr22-19754092-A-G.
Other names: c.1190A>G, p.Asn397Ser (NM_080647.1); c.1009+567A>G (NM_005992.1, NM_080646.2); short protein forms N406S, N397S.
Identifiers: ClinVar variation 1042452 (VCV001042452.8), dbSNP rs1936855908, ClinGen allele CA410684558.